The following is an entry in ClinVar:

ClinVar aggregate classification (germline): Uncertain significance. Review status: criteria provided, multiple submitters, no conflicts (2 of 4 stars). 5 submissions from 5 submitters: Uncertain significance (5). Last evaluated 2025-12-28.

Conditions:
Hereditary cancer-predisposing syndrome. Also called: Hereditary Cancer Syndrome; Hereditary neoplastic syndrome; Tumor predisposition; Neoplastic Syndromes, Hereditary. Identifiers: Orphanet 140162, MedGen C0027672, MeSH D009386, MONDO:0015356.
Multiple endocrine neoplasia type 2B. Also called: Multiple endocrine neoplasia, type 3; MEN 2B; MULTIPLE ENDOCRINE NEOPLASIA, TYPE IIB; MUCOSAL NEUROMA SYNDROME; Multiple Endocrine Neoplasia Type 2B (MEN2B); MEN IIB. Identifiers: Orphanet 247709, Orphanet 653, MedGen C0025269, MeSH D018814, MONDO:0008082, OMIM 162300.
Hirschsprung disease, susceptibility to, 1 (HSCR1). Also called: RET-Related Hirschsprung Disease. Identifiers: Orphanet 388, MedGen C3888239, MONDO:0007723, OMIM 142623.
Pheochromocytoma. Also called: MAX-Related Hereditary Paraganglioma-Pheochromocytoma Syndrome. Identifiers: Orphanet 29072, MedGen C0031511, MONDO:0008233, OMIM 171300, HP:0002666.
Multiple endocrine neoplasia type 2A. Also called: MULTIPLE ENDOCRINE NEOPLASIA, TYPE IIA; PTC SYNDROME; SIPPLE SYNDROME; MEN 2A; MEN-2A syndrome; Pheochromocytoma and amyloid producing medullary thyroid carcinoma. Identifiers: Orphanet 247698, Orphanet 653, MedGen C0025268, MeSH D018813, MONDO:0008234, OMIM 171400.
Familial medullary thyroid carcinoma (MTC). Also called: Thyroid cancer, familial medullary; MTC, familial; Familial Medullary Thyroid Carcinoma (FMTC). Identifiers: Orphanet 653, Orphanet 99361, MedGen C1833921, MONDO:0007958, OMIM 155240.
Multiple endocrine neoplasia, type 2 (MEN2). Identifiers: Orphanet 653, MedGen C4048306, MONDO:0019003. Disease mechanism: gain of function.

Allele frequency attached by ClinVar (database versions not stated): gnomAD exomes below 0.00001.
gnomAD v4.1: 3 of 1,610,212 alleles (0.00019%); highest among the groups gnomAD compares: Admixed American, 0.0034%; no homozygotes.

Submissions (5):

Labcorp Genetics (formerly Invitae), Labcorp
Classification: Uncertain significance for Multiple endocrine neoplasia, type 2. Last evaluated: 2025-12-28. Review status: criteria provided, single submitter. Criteria: Invitae Variant Classification Sherloc (09022015). Collection method: clinical testing. Allele origin: germline.
Comment: This sequence change replaces glutamic acid, which is acidic and polar, with lysine, which is basic and polar, at codon 595 of the RET protein (p.Glu595Lys). The frequency data for this variant in the population databases is considered unreliable, as metrics indicate poor data quality at this position in the gnomAD database. This missense change has been observed in individual(s) with breast cancer (PMID: 35534704). ClinVar contains an entry for this variant (Variation ID: 966506). An algorithm developed to predict the effect of missense changes on protein structure and function (PolyPhen-2) suggests that this variant is likely to be disruptive. In summary, the available evidence is currently insufficient to determine the role of this variant in disease. Therefore, it has been classified as a Variant of Uncertain Significance.

Ambry Genetics
Classification: Uncertain significance for Hereditary cancer-predisposing syndrome. Last evaluated: 2025-04-16. Review status: criteria provided, single submitter. Criteria: Ambry Variant Classification Scheme 2023. Collection method: clinical testing. Allele origin: germline.
Comment: The p.E595K variant (also known as c.1783G>A), located in coding exon 10 of the RET gene, results from a G to A substitution at nucleotide position 1783. The glutamic acid at codon 595 is replaced by lysine, an amino acid with similar properties. This amino acid position is highly conserved in available vertebrate species. In addition, this alteration is predicted to be deleterious by in silico analysis. Based on the available evidence, the clinical significance of this variant remains unclear.

All of Us Research Program, National Institutes of Health
Classification: Uncertain significance for Multiple endocrine neoplasia, type 2. Last evaluated: 2024-08-13. Review status: criteria provided, single submitter. Criteria: ACMG Guidelines, 2015. Collection method: clinical testing. Allele origin: germline. Inheritance: Autosomal dominant inheritance. Observed: 3 variant alleles, 3 heterozygotes.
Comment: This missense variant replaces glutamic acid with lysine at codon 595 of the RET protein. Computational prediction suggests that this variant may not impact protein structure and function. To our knowledge, functional studies have not been reported for this variant. This variant has not been reported as a germline mutation in individuals affected with hereditary cancer in the literature. This variant has been identified in 1/241470 chromosomes in the general population by the Genome Aggregation Database (gnomAD). The available evidence is insufficient to determine the role of this variant in disease conclusively. Therefore, this variant is classified as a Variant of Uncertain Significance.

This study involves interpretation of variants in research participants for the purpose of population health screening. Participant phenotype was not available at the time of variant classification. Additional details can be found in publication PMID: 35346344, PMCID: PMC8962531

Fulgent Genetics
Classification: Uncertain significance for Hirschsprung disease, susceptibility to, 1; Familial medullary thyroid carcinoma; Multiple endocrine neoplasia type 2B; Pheochromocytoma; Multiple endocrine neoplasia type 2A. Last evaluated: 2024-01-25. Review status: criteria provided, single submitter. Criteria: ACMG Guidelines, 2015. Collection method: clinical testing. Allele origin: germline.

Baylor Genetics
Classification: Uncertain significance for Hirschsprung disease, susceptibility to, 1. Last evaluated: 2023-06-06. Review status: criteria provided, single submitter. Criteria: ACMG Guidelines, 2015. Collection method: clinical testing. Allele origin: unknown.

Literature cited by the submitters: PubMed 35534704 (cited by Labcorp Genetics (formerly Invitae), Labcorp).

NM_020975.6(RET):c.1783G>A (p.Glu595Lys)

Gene: RET (ret proto-oncogene; plus strand). Cytogenetic location: 10q11.21.
Variant type: single nucleotide variant.
Coding change: c.1783G>A on transcript NM_020975.6 (MANE Select); coding-DNA position 1783, G replaced by A.
Protein change: p.Glu595Lys; replaces glutamic acid 595 with lysine.
Molecular consequence: missense variant.
Genome position (GRCh38, 1-based): chr10:43,113,579, G>A. VCF-style: chr10-43113579-G-A. GRCh37 (hg19) VCF-style: chr10-43609027-G-A.
Other names: c.1783G>A, p.Glu595Lys (NM_000323.2, NM_001406743.1, NM_001406744.1 and 6 more transcripts); c.1021G>A, p.Glu341Lys (NM_001355216.2); c.1654G>A, p.Glu552Lys (NM_001406761.1, NM_001406762.1, NM_001406764.1 and 1 more transcripts); c.1345G>A, p.Glu449Lys (NM_001406773.1, NM_001406771.1); c.1258G>A, p.Glu420Lys (NM_001406774.1); c.1057G>A, p.Glu353Lys (NM_001406775.1, NM_001406776.1, NM_001406777.1 and 1 more transcripts); c.886G>A, p.Glu296Lys (NM_001406779.1, NM_001406780.1, NM_001406781.1 and 2 more transcripts); c.334G>A, p.Glu112Lys (NM_001406794.1, NM_001406792.1, NM_001406793.1); and 5 more; short protein forms E595K, E341K, E112K, E420K, E499K, E200K, E449K, E552K.
Identifiers: ClinVar variation 966506 (VCV000966506.15), dbSNP rs1483605155, ClinGen allele CA376552533.